The following is an entry in ClinVar:

NM_024652.6(LRRK1):c.160A>T (p.Arg54Trp)

Gene: LRRK1 (leucine rich repeat kinase 1; plus strand). Cytogenetic location: 15q26.3.
Variant type: single nucleotide variant.
Coding change: c.160A>T on transcript NM_024652.6 (MANE Select); coding-DNA position 160, A replaced by T.
Protein change: p.Arg54Trp; replaces arginine 54 with tryptophan.
Molecular consequence: missense variant.
Genome position (GRCh38, 1-based): chr15:100,973,866, A>T. VCF-style: chr15-100973866-A-T. GRCh37 (hg19) VCF-style: chr15-101514071-A-T.
Other names: c.160A>T (NM_024652.3); short protein forms R54W.
Identifiers: ClinVar variation 1430552 (VCV001430552.4), dbSNP rs564533545, ClinGen allele CA275586606.

ClinVar aggregate classification (germline): Uncertain significance. Review status: criteria provided, multiple submitters, no conflicts (2 of 4 stars). 2 submissions from 2 submitters: Uncertain significance (2). Last evaluated 2024-08-01.

Conditions:
Inborn genetic diseases. Identifiers: MedGen C0950123, MeSH D030342.

Allele frequency attached by ClinVar (database versions not stated): gnomAD exomes below 0.00001; gnomAD 0.00005 and 0.00006; TOPMed 0.00009; 1000 Genomes Project 30x 0.00016; 1000 Genomes Project 0.00020.
gnomAD v4.1: 13 of 1,287,744 alleles (0.001%); highest among the groups gnomAD compares: Admixed American, 0.037%; no homozygotes.

Submissions (2):

Ambry Genetics
Classification: Uncertain significance for Inborn genetic diseases. Last evaluated: 2024-08-01. Review status: criteria provided, single submitter. Criteria: Ambry Variant Classification Scheme 2023. Collection method: clinical testing. Allele origin: germline.

Labcorp Genetics (formerly Invitae), Labcorp
Classification: Uncertain significance. Last evaluated: 2021-11-23. Review status: criteria provided, single submitter. Criteria: Invitae Variant Classification Sherloc (09022015). Collection method: clinical testing. Allele origin: germline.
Comment: This sequence change replaces arginine, which is basic and polar, with tryptophan, which is neutral and slightly polar, at codon 54 of the LRRK1 protein (p.Arg54Trp). This variant is present in population databases (rs564533545, gnomAD 0.1%). This variant has not been reported in the literature in individuals affected with LRRK1-related conditions. Algorithms developed to predict the effect of missense changes on protein structure and function are either unavailable or do not agree on the potential impact of this missense change (SIFT: "Deleterious"; PolyPhen-2: "Benign"; Align-GVGD: "Class C0"). In summary, the available evidence is currently insufficient to determine the role of this variant in disease. Therefore, it has been classified as a Variant of Uncertain Significance.